The following is an entry in ClinVar:

NM_007214.5(SEC63):c.*1178T>G

Gene: SEC63 (SEC63 homolog, protein translocation regulator; minus strand). Cytogenetic location: 6q21.
Variant type: single nucleotide variant.
Coding change: c.*1178T>G on transcript NM_007214.5 (MANE Select); 1178 bases downstream of the stop codon, T replaced by G.
Molecular consequence: 3 prime UTR variant.
Genome position (GRCh38, 1-based): chr6:107,870,526, A>C on the plus strand (T>G on the coding strand, the complement: SEC63 is on the minus strand). VCF-style: chr6-107870526-A-C. GRCh37 (hg19) VCF-style: chr6-108191730-A-C.
Identifiers: ClinVar variation 906511 (VCV000906511.4), dbSNP rs114792201, ClinGen allele CA145653416.

ClinVar aggregate classification (germline): Benign (1 of 4 stars; one submission).

Conditions:
Polycystic liver disease 2 (PCLD2). Also called: Polycystic liver disease 2 with or without kidney cysts. Identifiers: Orphanet 2924, MedGen C4310769, MONDO:0014860, OMIM 617004.

Allele frequency attached by ClinVar (database versions not stated): 1000 Genomes Project 0.00919; TOPMed 0.01194; 1000 Genomes Project 30x 0.00968.

Submission:

Illumina Laboratory Services, Illumina
Classification: Benign for Polycystic liver disease 2. Last evaluated: 2018-01-12. Review status: criteria provided, single submitter. Criteria: ICSL Variant Classification Criteria 13 December 2019. Collection method: clinical testing. Allele origin: germline.
Comment: This variant was observed in the ICSL laboratory as part of a predisposition screen in an ostensibly healthy population. It had not been previously curated by ICSL or reported in the Human Gene Mutation Database (HGMD: prior to June 1st, 2018), and was therefore a candidate for classification through an automated scoring system. Utilizing variant allele frequency, disease prevalence and penetrance estimates, and inheritance mode, an automated score was calculated to assess if this variant is too frequent to cause the disease. Based on the score and internal cut-off values, a variant classified as benign is not then subjected to further curation. The score for this variant resulted in a classification of benign for this disease.